The following is an entry in ClinVar:

NM_138817.3(SLC7A13):c.1142G>A (p.Arg381Gln)

Gene: SLC7A13 (solute carrier family 7 member 13; minus strand). Cytogenetic location: 8q21.3.
Variant type: single nucleotide variant.
Coding change: c.1142G>A on transcript NM_138817.3 (MANE Select); coding-DNA position 1142, G replaced by A.
Protein change: p.Arg381Gln; replaces arginine 381 with glutamine.
Molecular consequence: missense variant.
Genome position (GRCh38, 1-based): chr8:86,217,507, C>T on the plus strand (G>A on the coding strand, the complement: SLC7A13 is on the minus strand). VCF-style: chr8-86217507-C-T. GRCh37 (hg19) VCF-style: chr8-87229736-C-T.
Other names: short protein forms R381Q.
Identifiers: ClinVar variation 2892788 (VCV002892788.3), dbSNP rs377120069, ClinGen allele CA4797639.

ClinVar aggregate classification (germline): Uncertain significance (1 of 4 stars; one submission).

Allele frequency attached by ClinVar (database versions not stated): ESP Exome Variant Server 0.00008; ExAC 0.00012; gnomAD exomes 0.00007.

Submission:

Labcorp Genetics (formerly Invitae), Labcorp
Classification: Uncertain significance. Last evaluated: 2026-01-14. Review status: criteria provided, single submitter. Criteria: Invitae Variant Classification Sherloc (09022015). Collection method: clinical testing. Allele origin: germline.
Comment: This sequence change replaces arginine, which is basic and polar, with glutamine, which is neutral and polar, at codon 381 of the SLC7A13 protein (p.Arg381Gln). This variant is present in population databases (rs377120069, gnomAD 0.01%). This variant has not been reported in the literature in individuals affected with SLC7A13-related conditions. ClinVar contains an entry for this variant (Variation ID: 2892788). An algorithm developed to predict the effect of missense changes on protein structure and function (PolyPhen-2) suggests that this variant is likely to be tolerated. In summary, the available evidence is currently insufficient to determine the role of this variant in disease. Therefore, it has been classified as a Variant of Uncertain Significance.